The following is an entry in ClinVar:

ClinVar aggregate classification (germline): Pathogenic (1 of 4 stars; one submission).

Conditions:
Glycogen storage disease type III (GSD3). Also called: Cori disease; FORBES DISEASE. Identifiers: Orphanet 366, MedGen C0017922, MONDO:0009291, OMIM 232400.

Submission:

Labcorp Genetics (formerly Invitae), Labcorp
Classification: Pathogenic for Glycogen storage disease type III. Last evaluated: 2022-09-12. Review status: criteria provided, single submitter. Criteria: Invitae Variant Classification Sherloc (09022015). Collection method: clinical testing. Allele origin: germline.
Comment: For these reasons, this variant has been classified as Pathogenic. ClinVar contains an entry for this variant (Variation ID: 1408109). This premature translational stop signal has been observed in individual(s) with glycogen storage disease type III (PMID: 29794575). Information on the frequency of this variant in the gnomAD database is not available, as this variant may be reported differently in the database. This sequence change creates a premature translational stop signal (p.Trp1259*) in the AGL gene. It is expected to result in an absent or disrupted protein product. Loss-of-function variants in AGL are known to be pathogenic (PMID: 19299494).

Literature cited by the submitters: PubMed 29794575; PubMed 19299494.

NM_000642.3(AGL):c.3777_3778delinsAC (p.Trp1259_Met1260delinsTer)

Gene: AGL (amylo-alpha-1,6-glucosidase and 4-alpha-glucanotransferase; plus strand). Cytogenetic location: 1p21.2.
Variant type: Indel.
Coding change: c.3777_3778delinsAC on transcript NM_000642.3 (MANE Select); coding-DNA positions 3777 to 3778, GA replaced by AC.
Protein change: p.Trp1259_Met1260delinsTer.
Molecular consequence: nonsense.
Genome position (GRCh38, 1-based): chr1:99,910,788-99,910,789, GA replaced by AC. VCF-style: chr1-99910788-GA-AC. GRCh37 (hg19) VCF-style: chr1-100376344-GA-AC.
Other names: c.3777_3778delGAinsAC, p.Trp1259Ter (NM_000028.3, NM_000643.3, NM_000644.3 and 1 more transcripts); c.3729_3730delGAinsAC, p.Trp1243Ter (NM_000646.3); c.3756_3757delGAinsAC, p.Trp1252Ter (NM_001425326.1); c.3576_3577delGAinsAC, p.Trp1192Ter (NM_001425327.1); c.3573_3574delGAinsAC, p.Trp1191Ter (NM_001425328.1); c.3438_3439delGAinsAC, p.Trp1146Ter (NM_001425329.1); c.3399_3400delGAinsAC, p.Trp1133Ter (NM_001425332.1); short protein forms W1133*, W1146*, W1191*, W1192*, W1243*, W1252*, W1259*.
Identifiers: ClinVar variation 1408109 (VCV001408109.8), dbSNP rs2100849251, ClinGen allele CA2573132632.